The following is an entry in ClinVar:

ClinVar aggregate classification (germline): Uncertain significance (1 of 4 stars; one submission).

gnomAD v4.1: 6 of 1,610,934 alleles (0.00037%); highest among the groups gnomAD compares: Non-Finnish European, 0.00051%; no homozygotes.

Submission:

GeneDx
Classification: Uncertain significance. Last evaluated: 2025-08-28. Review status: criteria provided, single submitter. Criteria: GeneDx Variant Classification Process June 2021. Collection method: clinical testing. Allele origin: germline. Affected: yes.
Comment: Not observed at significant frequency in large population cohorts (gnomAD); In silico analysis supports a deleterious effect on splicing; Has not been previously published as pathogenic or benign to our knowledge

NM_018344.6(SLC29A3):c.301-13T>A

Genes: SLC29A3 (solute carrier family 29 member 3; plus strand), LOC105378353 (uncharacterized LOC105378353; minus strand). Cytogenetic location: 10q22.1.
Variant type: single nucleotide variant.
Coding change: c.301-13T>A on transcript NM_018344.6 (MANE Select); 13 bases into the intron before coding-DNA position 301, T replaced by A.
Molecular consequence: intron variant.
Genome position (GRCh38, 1-based): chr10:71,344,196, T>A. VCF-style: chr10-71344196-T-A. GRCh37 (hg19) VCF-style: chr10-73103953-T-A.
Other names: c.67-13T>A (NM_001363518.2); c.301-13T>A (NM_001174098.2).
Identifiers: ClinVar variation 4812913 (VCV004812913.1).